The following is an entry in ClinVar:

NM_020458.4(TTC7A):c.878A>C (p.His293Pro)

Gene: TTC7A (tetratricopeptide repeat domain 7A; plus strand). Cytogenetic location: 2p21.
Variant type: single nucleotide variant.
Coding change: c.878A>C on transcript NM_020458.4 (MANE Select); coding-DNA position 878, A replaced by C.
Protein change: p.His293Pro; replaces histidine 293 with proline.
Molecular consequence: missense variant. On other transcripts: intron variant (1).
Genome position (GRCh38, 1-based): chr2:46,994,391, A>C. VCF-style: chr2-46994391-A-C. GRCh37 (hg19) VCF-style: chr2-47221530-A-C.
Other names: c.878A>C, p.His293Pro (NM_001288951.2); c.776A>C, p.His259Pro (NM_001288953.2); c.-61-745A>C (NM_001288955.2); short protein forms H259P, H293P.
Identifiers: ClinVar variation 1431522 (VCV001431522.8), dbSNP rs150578101, ClinGen allele CA1647400.

ClinVar aggregate classification (germline): Uncertain significance (1 of 4 stars; one submission).

Conditions:
Multiple gastrointestinal atresias. Also called: FAMILIAL INTESTINAL POLYATRESIA SYNDROME; Multiple intestinal atresia. Identifiers: Orphanet 2300, MedGen C0220744, MONDO:0009465.

Allele frequency attached by ClinVar (database versions not stated): ESP Exome Variant Server 0.00015.
gnomAD v4.1: 9 of 1,613,350 alleles (0.00056%); highest among the groups gnomAD compares: African/African-American, 0.008%; no homozygotes.

Submission:

Labcorp Genetics (formerly Invitae), Labcorp
Classification: Uncertain significance for Multiple gastrointestinal atresias. Last evaluated: 2021-07-02. Review status: criteria provided, single submitter. Criteria: Invitae Variant Classification Sherloc (09022015). Collection method: clinical testing. Allele origin: germline.
Comment: This sequence change replaces histidine with proline at codon 293 of the TTC7A protein (p.His293Pro). The histidine residue is weakly conserved and there is a moderate physicochemical difference between histidine and proline. This variant is present in population databases (rs150578101, ExAC 0.03%). This variant has been observed in individual(s) with very early onset inflammatory bowel disease (PMID: 26193622). Algorithms developed to predict the effect of missense changes on protein structure and function are either unavailable or do not agree on the potential impact of this missense change (SIFT: "Tolerated"; PolyPhen-2: "Possibly Damaging"; Align-GVGD: "Class C0"). In summary, the available evidence is currently insufficient to determine the role of this variant in disease. Therefore, it has been classified as a Variant of Uncertain Significance.

Literature cited by the submitters: PubMed 26193622.